The following is an entry in ClinVar:

ClinVar aggregate classification (germline): Pathogenic (1 of 4 stars; one submission).

Conditions:
Bardet-Biedl syndrome (BBS). Identifiers: Orphanet 110, MedGen C0752166, MONDO:0015229.

Submission:

Labcorp Genetics (formerly Invitae), Labcorp
Classification: Pathogenic for Bardet-Biedl syndrome. Last evaluated: 2020-12-06. Review status: criteria provided, single submitter. Criteria: Invitae Variant Classification Sherloc (09022015). Collection method: clinical testing. Allele origin: germline.
Comment: For these reasons, this variant has been classified as Pathogenic. This variant has not been reported in the literature in individuals with BBS4-related conditions. A gross deletion of the genomic region encompassing the full coding sequence of the BBS4 gene has been identified. Loss-of-function variants in BBS4 are known to be pathogenic (PMID: 11381270, 12016587, 20177705, 27894351). The boundaries of this event are unknown as they extend beyond the assayed region for this gene and therefore may encompass additional genes.

Literature cited by the submitters: PubMed 11381270; PubMed 12016587; PubMed 20177705; PubMed 27894351.

NC_000015.9:g.(?_72978549)_(73029948_?)del

Gene: BBS4 (Bardet-Biedl syndrome 4; plus strand). Cytogenetic location: 15q24.1.
Variant type: Deletion.
Identifiers: ClinVar variation 1456937 (VCV001456937.4).